The following is an entry in ClinVar:

ClinVar aggregate classification (germline): Likely pathogenic (1 of 4 stars; one submission).

Conditions:
Cardiovascular phenotype. Identifiers: MedGen CN230736.

Submission:

Ambry Genetics
Classification: Likely pathogenic for Cardiovascular phenotype. Last evaluated: 2025-07-17. Review status: criteria provided, single submitter. Criteria: Ambry Variant Classification Scheme 2023. Collection method: clinical testing. Allele origin: germline.
Comment: The p.K21571* variant (also known as c.64711A>T), located in coding exon 165 of the TTN gene, results from an A to T substitution at nucleotide position 64711. This changes the amino acid from a lysine to a stop codon within coding exon 165. This exon is located in the A-band region of the N2-B isoform of the titin protein and is constitutively expressed in TTN transcripts (percent spliced in or PSI 100%). This variant was reported in individual(s) with features consistent with dilated cardiomyopathy (Ambry internal data). This variant is considered to be rare based on population cohorts in the Genome Aggregation Database (gnomAD). This variant is expected to result in loss of function by premature protein truncation or nonsense-mediated mRNA decay. While truncating variants in TTN are present in 1-3% of the general population, truncating variants in the A-band are the most common cause of dilated cardiomyopathy (Herman DS et al. N. Engl. J. Med., 2012 Feb;366:619-28; Roberts AM et al. Sci Transl Med, 2015 Jan;7:270ra6). TTN truncating variants encoded in constitutive exons (PSI >90%) have been found to be significantly associated with DCM regardless of their position in titin (Schafer S et al. Nat. Genet., 2017 01;49:46-53; Akhtar MM et al. Circ Heart Fail, 2020 Oct;13:e006832; Massier M et al. Clin Genet, 2025 Jan). Based on the majority of available evidence to date, this variant is likely to be pathogenic.

NM_001267550.2(TTN):c.91906A>T (p.Lys30636Ter)

Genes: TTN (titin; minus strand), TTN-AS1 (TTN antisense RNA 1; plus strand). Cytogenetic location: 2q31.2.
Variant type: single nucleotide variant.
Coding change: c.91906A>T on transcript NM_001267550.2 (MANE Select); coding-DNA position 91906, A replaced by T.
Protein change: p.Lys30636Ter; replaces lysine 30636 with a stop codon.
Molecular consequence: nonsense.
Genome position (GRCh38, 1-based): chr2:178,549,816, T>A on the plus strand (A>T on the coding strand, the complement: TTN is on the minus strand). VCF-style: chr2-178549816-T-A. GRCh37 (hg19) VCF-style: chr2-179414543-T-A.
Other names: c.84202A>T, p.Lys28068Ter (NM_133378.4); c.65086A>T, p.Lys21696Ter (NM_133432.3); c.65287A>T, p.Lys21763Ter (NM_133437.4); c.86983A>T, p.Lys28995Ter (NM_001256850.1); c.64711A>T, p.Lys21571Ter (NM_003319.4); short protein forms K21696*, K28068*, K28995*, K21571*, K21763*, K30636*.
Identifiers: ClinVar variation 4193730 (VCV004193730.1).